The following is an entry in ClinVar:

NM_016284.5(CNOT1):c.3662T>C (p.Leu1221Pro)

Gene: CNOT1 (CCR4-NOT transcription complex subunit 1; minus strand). Cytogenetic location: 16q21.
Variant type: single nucleotide variant.
Coding change: c.3662T>C on transcript NM_016284.5 (MANE Select); coding-DNA position 3662, T replaced by C.
Protein change: p.Leu1221Pro; replaces leucine 1221 with proline.
Molecular consequence: missense variant. On other transcripts: non-coding transcript variant (1).
Genome position (GRCh38, 1-based): chr16:58,547,274, A>G on the plus strand (T>C on the coding strand, the complement: CNOT1 is on the minus strand). VCF-style: chr16-58547274-A-G. GRCh37 (hg19) VCF-style: chr16-58581178-A-G.
Other names: c.3647T>C, p.Leu1216Pro (NM_001265612.2); c.3662T>C, p.Leu1221Pro (NM_206999.3); short protein forms L1216P, L1221P.
Identifiers: ClinVar variation 4854506 (VCV004854506.1).

ClinVar aggregate classification (germline): Uncertain significance (1 of 4 stars; one submission).

Conditions:
Vissers-Bodmer syndrome. Identifiers: MedGen C5436647, MONDO:0033618, OMIM 619033.

Submission:

3billion
Classification: Uncertain significance for Vissers-Bodmer syndrome. Last evaluated: 2025-08-20. Review status: criteria provided, single submitter. Criteria: ACMG Guidelines, 2015. Collection method: clinical testing. Allele origin: germline. Affected: yes.
Comment: The variant is not observed in the gnomAD v4.1.0 dataset. Predicted Consequence/Location: Missense variant In silico tool predictions suggest damaging effect of the variant on gene or gene product [REVEL: 0.79 (>=0.6, sensitivity 0.68 and specificity 0.92)]. Therefore, this variant is classified as VUS according to the recommendation of ACMG/AMP guideline.